The following is an entry in ClinVar:

NM_000360.4(TH):c.577-3C>T

Gene: TH (tyrosine hydroxylase; minus strand). Cytogenetic location: 11p15.5.
Variant type: single nucleotide variant.
Coding change: c.577-3C>T on transcript NM_000360.4 (MANE Select); 3 bases into the intron before coding-DNA position 577, C replaced by T.
Molecular consequence: intron variant.
Genome position (GRCh38, 1-based): chr11:2,167,936, G>A on the plus strand (C>T on the coding strand, the complement: TH is on the minus strand). VCF-style: chr11-2167936-G-A. GRCh37 (hg19) VCF-style: chr11-2189166-G-A.
Other names: c.658-3C>T (NM_199293.3); c.670-3C>T (NM_199292.3).
Identifiers: ClinVar variation 1966904 (VCV001966904.2), dbSNP rs762806141, ClinGen allele CA5818588.

ClinVar aggregate classification (germline): Uncertain significance (1 of 4 stars; one submission).

Conditions:
TH-deficient dopa-responsive dystonia. Also called: Tyrosine Hydroxylase-Deficient Dopa-Responsive Dystonia; Segawa syndrome, autosomal recessive; DYT-TH. Identifiers: Orphanet 101150, MedGen C2673535, MONDO:0011551, OMIM 605407.

Allele frequency attached by ClinVar (database versions not stated): gnomAD exomes 0.00001; ExAC 0.00002.
gnomAD v4.1: 3 of 1,611,630 alleles (0.00019%); highest among the groups gnomAD compares: South Asian, 0.0033%; 1 homozygote.

Submission:

Labcorp Genetics (formerly Invitae), Labcorp
Classification: Uncertain significance for TH-deficient dopa-responsive dystonia. Last evaluated: 2022-05-05. Review status: criteria provided, single submitter. Criteria: Invitae Variant Classification Sherloc (09022015). Collection method: clinical testing. Allele origin: germline.
Comment: This sequence change falls in intron 5 of the TH gene. It does not directly change the encoded amino acid sequence of the TH protein. It affects a nucleotide within the consensus splice site. The frequency data for this variant in the population databases is considered unreliable, as metrics indicate poor data quality at this position in the gnomAD database. This variant has not been reported in the literature in individuals affected with TH-related conditions. Variants that disrupt the consensus splice site are a relatively common cause of aberrant splicing (PMID: 17576681, 9536098). Algorithms developed to predict the effect of sequence changes on RNA splicing suggest that this variant is not likely to affect RNA splicing. In summary, the available evidence is currently insufficient to determine the role of this variant in disease. Therefore, it has been classified as a Variant of Uncertain Significance.

Literature cited by the submitters: PubMed 17576681; PubMed 9536098.